The following is an entry in ClinVar:

ClinVar aggregate classification (germline): Pathogenic (1 of 4 stars; one submission).

Submission:

GeneDx
Classification: Pathogenic. Last evaluated: 2018-05-17. Review status: criteria provided, single submitter. Criteria: GeneDx Variant Classification (06012015). Collection method: clinical testing. Allele origin: germline. Affected: yes.
Comment: The c.1000_1005delGAGAGAinsT variant in the PHF6 gene has not been reported previously as a pathogenic variant nor as a benign variant, to our knowledge. The c.1000_1005delGAGAGAinsT variant results in the replacement of the normal Glutamic Acid residue at position 334 with a premature Stop codon, denoted p.Glu334Ter. This variant is predicted to cause loss of normal protein function through protein truncation, as the last 32 amino acids of the protein are lost. The c.1000_1005delGAGAGAinsT variant is not observed in large population cohorts (Lek et al., 2016). We interpret c.1000_1005delGAGAGAinsT as a pathogenic variant.

NM_001015877.2(PHF6):c.1000_1005delinsT (p.Asp333_Glu334insTer)

Gene: PHF6 (PHD finger protein 6; plus strand). Cytogenetic location: Xq26.2.
Variant type: Indel.
Coding change: c.1000_1005delinsT on transcript NM_001015877.2 (MANE Select); coding-DNA positions 1000 to 1005, GAGAGA replaced by T.
Protein change: p.Asp333_Glu334insTer.
Molecular consequence: nonsense.
Genome position (GRCh38, 1-based): chrX:134,425,232-134,425,237, GAGAGA replaced by T. VCF-style: chrX-134425232-GAGAGA-T. GRCh37 (hg19) VCF-style: chrX-133559262-GAGAGA-T.
Other names: c.1000_1005delinsT, p.Asp333_Glu334insTer (NM_032458.3).
Identifiers: ClinVar variation 546065 (VCV000546065.2), dbSNP rs1556020616, ClinGen allele CA658825064.
Genomic context (GRCh38, chrX:134,425,232, plus strand): 5'-TTTGAGATTTTTGTCTTTCATCATTGTAGACTATACTGTAAAAATCATAGTGGAAATGAT[GAGAGA>T]GATGAAGAAGATGAGGAACGAGAGAGTAAAAGCCGAGGAAAAGTAGAAATTGATCAGCAA-3'